The following is an entry in ClinVar:

NM_001353345.2(SETD1B):c.5551G>A (p.Glu1851Lys)

Gene: SETD1B (SET domain containing 1B, histone lysine methyltransferase; plus strand). Cytogenetic location: 12q24.31.
Variant type: single nucleotide variant.
Coding change: c.5551G>A on transcript NM_001353345.2 (MANE Select); coding-DNA position 5551, G replaced by A.
Protein change: p.Glu1851Lys; replaces glutamic acid 1851 with lysine.
Molecular consequence: missense variant.
Genome position (GRCh38, 1-based): chr12:121,827,816, G>A. VCF-style: chr12-121827816-G-A. GRCh37 (hg19) VCF-style: chr12-122265722-G-A.
Other names: short protein forms E1851K.
Identifiers: ClinVar variation 2503269 (VCV002503269.1), dbSNP rs1239720346, ClinGen allele CA387004948.

ClinVar aggregate classification (germline): Pathogenic (1 of 4 stars; one submission).

Allele frequency attached by ClinVar (database versions not stated): TOPMed below 0.00001; gnomAD 0.00001.
gnomAD v4.1: 1 of 1,560,198 alleles (0.000064%); highest among the groups gnomAD compares: Non-Finnish European, 0.000087%; no homozygotes.

Submission:

GeneDx
Classification: Pathogenic. Last evaluated: 2023-05-26. Review status: criteria provided, single submitter. Criteria: GeneDx Variant Classification Process June 2021. Collection method: clinical testing. Allele origin: germline. Affected: yes.
Comment: Not observed at significant frequency in large population cohorts (gnomAD); In silico analysis supports that this missense variant has a deleterious effect on protein structure/function; Has not been previously published as pathogenic or benign to our knowledge